The following is an entry in ClinVar:

ClinVar aggregate classification (germline): Uncertain significance (1 of 4 stars; one submission).

Conditions:
Neuropathy, hereditary sensory and autonomic, type 2A (HSAN2A). Also called: ACROOSTEOLYSIS, GIACCAI TYPE; ACROOSTEOLYSIS, NEUROGENIC; MORVAN DISEASE; NEUROPATHY, CONGENITAL SENSORY; NEUROPATHY, HEREDITARY SENSORY RADICULAR, AUTOSOMAL RECESSIVE; NEUROPATHY, HEREDITARY SENSORY, TYPE IIA. Identifiers: Orphanet 970, MedGen C2752089, MONDO:0024309, OMIM 201300.
Pseudohypoaldosteronism type 2C (PHA2C). Also called: Pseudohypoaldosteronism Type IIC. Identifiers: Orphanet 757, Orphanet 88940, MedGen C1840391, MONDO:0013778, OMIM 614492.

Submission:

Labcorp Genetics (formerly Invitae), Labcorp
Classification: Uncertain significance for Neuropathy, hereditary sensory and autonomic, type 2A; Pseudohypoaldosteronism type 2C. Last evaluated: 2023-03-20. Review status: criteria provided, single submitter. Criteria: Invitae Variant Classification Sherloc (09022015). Collection method: clinical testing. Allele origin: germline.
Comment: In summary, the available evidence is currently insufficient to determine the role of this variant in disease. Therefore, it has been classified as a Variant of Uncertain Significance. Advanced modeling of protein sequence and biophysical properties (such as structural, functional, and spatial information, amino acid conservation, physicochemical variation, residue mobility, and thermodynamic stability) performed at Invitae indicates that this missense variant is not expected to disrupt WNK1 protein function. This variant has not been reported in the literature in individuals affected with WNK1-related conditions. This variant is not present in population databases (gnomAD no frequency). This sequence change replaces serine, which is neutral and polar, with proline, which is neutral and non-polar, at codon 1523 of the WNK1 protein (p.Ser1523Pro).

NM_018979.4(WNK1):c.3811T>C (p.Ser1271Pro)

Gene: WNK1 (WNK lysine deficient protein kinase 1; plus strand). Cytogenetic location: 12p13.33.
Variant type: single nucleotide variant.
Coding change: c.3811T>C on transcript NM_018979.4 (MANE Select); coding-DNA position 3811, T replaced by C.
Protein change: p.Ser1271Pro; replaces serine 1271 with proline.
Molecular consequence: missense variant.
Genome position (GRCh38, 1-based): chr12:884,210, T>C. VCF-style: chr12-884210-T-C. GRCh37 (hg19) VCF-style: chr12-993376-T-C.
Other names: c.3070T>C, p.Ser1024Pro (NM_014823.3); c.4567T>C, p.Ser1523Pro (NM_213655.5); c.4591T>C, p.Ser1531Pro (NM_001184985.2); short protein forms S1271P, S1024P, S1531P, S1523P.
Identifiers: ClinVar variation 2945524 (VCV002945524.3), dbSNP rs753548223, ClinGen allele CA383329937.
Genomic context (GRCh38, chr12:884,210, plus strand): 5'-GTTCATTCTGCGGGAAGGCGGTTTATAGTGAGTCCTGTGCCAGAAAGCCGATTACGAGAA[T>C]CAAAAGTTTTCCCCAGTGAAATAACAGATACAGGTAAGGGATTGATTCTGCCACATTGTT-3'
Protein context (NP_061852.3, residues 1261-1281): SPVPESRLRE[Ser1271Pro]KVFPSEITDT